The following is an entry in ClinVar:

NM_001204.7(BMPR2):c.2689G>A (p.Gly897Ser)

Gene: BMPR2 (bone morphogenetic protein receptor type 2; plus strand). Cytogenetic location: 2q33.2.
Variant type: single nucleotide variant.
Coding change: c.2689G>A on transcript NM_001204.7 (MANE Select); coding-DNA position 2689, G replaced by A.
Protein change: p.Gly897Ser; replaces glycine 897 with serine.
Molecular consequence: missense variant.
Genome position (GRCh38, 1-based): chr2:202,556,354, G>A. VCF-style: chr2-202556354-G-A. GRCh37 (hg19) VCF-style: chr2-203421077-G-A.
Other names: short protein forms G897S.
Identifiers: ClinVar variation 3992105 (VCV003992105.1).

ClinVar aggregate classification (germline): Uncertain significance (1 of 4 stars; one submission).

Conditions:
Inborn genetic diseases. Identifiers: MedGen C0950123, MeSH D030342.

Submission:

Ambry Genetics
Classification: Uncertain significance for Inborn genetic diseases. Last evaluated: 2025-04-07. Review status: criteria provided, single submitter. Criteria: Ambry Variant Classification Scheme 2023. Collection method: clinical testing. Allele origin: germline.
Comment: The p.G897S variant (also known as c.2689G>A), located in coding exon 12 of the BMPR2 gene, results from a G to A substitution at nucleotide position 2689. The glycine at codon 897 is replaced by serine, an amino acid with similar properties. This amino acid position is conserved. In addition, this alteration is predicted to be tolerated by in silico analysis. Based on the available evidence, the clinical significance of this variant remains unclear.